The following is an entry in ClinVar:

ClinVar aggregate classification (germline): Likely benign. Review status: criteria provided, multiple submitters, no conflicts (2 of 4 stars). 3 submissions from 3 submitters: Likely benign (3). Last evaluated 2024-04-09.

Conditions:
Frontometaphyseal dysplasia (FMD1). Identifiers: Orphanet 1826, MedGen C0265293, MONDO:0015942.
Heterotopia, periventricular, X-linked dominant (PVNH1). Also called: PERIVENTRICULAR NODULAR HETEROTOPIA 1; X-linked periventricular heterotopia; PERIVENTRICULAR NODULAR HETEROTOPIA 4; HETEROTOPIA, PERIVENTRICULAR, 1. Identifiers: Orphanet 2149, Orphanet 82004, MedGen C1848213, MONDO:0010233, OMIM 300049.
Melnick-Needles syndrome (MNS). Also called: OSTEODYSPLASTY OF MELNICK AND NEEDLES; Melnick-Needles Syndrome (FLNA-MNS); MELNICK-NEEDLES OSTEODYSPLASTY. Identifiers: Orphanet 2484, MedGen C0025237, MONDO:0010650, OMIM 309350.
Oto-palato-digital syndrome, type II (OPD2). Also called: OPD II SYNDROME; Otopalatodigital Syndrome Type 2 (FLNA-OPD2); FACIOPALATOOSSEOUS SYNDROME; Otopalatodigital Syndrome, Type II. Identifiers: Orphanet 669, Orphanet 90652, MedGen C1844696, MONDO:0010571, OMIM 304120.

Allele frequency attached by ClinVar (database versions not stated): TOPMed below 0.00001; gnomAD 0.00001; ExAC 0.00002; gnomAD exomes 0.00002.
gnomAD v4.1: 18 of 1,206,888 alleles (0.0015%); highest among the groups gnomAD compares: East Asian, 0.0059%; no homozygotes.

Submissions (3):

Blueprint Genetics
Classification: Likely benign. Last evaluated: 2024-04-09. Review status: criteria provided, single submitter. Criteria: ACMG Guidelines, 2015. Collection method: clinical testing. Allele origin: germline.

Women's Health and Genetics/Laboratory Corporation of America, LabCorp
Classification: Likely benign. Last evaluated: 2024-04-01. Review status: criteria provided, single submitter. Criteria: LabCorp Variant Classification Summary - May 2015. Collection method: clinical testing. Allele origin: germline.
Comment: Variant summary: FLNA c.2826+11C>T alters a non-conserved nucleotide located at a position not widely known to affect splicing. Consensus agreement among computation tools predict no significant impact on normal splicing. However, these predictions have yet to be confirmed by functional studies. The variant allele was found at a frequency of 1.7e-05 in 181068 control chromosomes. The available data on variant occurrences in the general population are insufficient to allow any conclusion about variant significance. To our knowledge, no occurrence of c.2826+11C>T in individuals affected with Periventricular Nodular Heterotopia and no experimental evidence demonstrating its impact on protein function have been reported. ClinVar contains an entry for this variant (Variation ID: 1569626). Based on the evidence outlined above, the variant was classified as likely benign.

Labcorp Genetics (formerly Invitae), Labcorp
Classification: Likely benign for Oto-palato-digital syndrome, type II; Heterotopia, periventricular, X-linked dominant; Frontometaphyseal dysplasia; Melnick-Needles syndrome. Last evaluated: 2023-12-18. Review status: criteria provided, single submitter. Criteria: Invitae Variant Classification Sherloc (09022015). Collection method: clinical testing. Allele origin: germline.

NM_001110556.2(FLNA):c.2826+11C>T

Gene: FLNA (filamin A; minus strand). Cytogenetic location: Xq28.
Variant type: single nucleotide variant.
Coding change: c.2826+11C>T on transcript NM_001110556.2 (MANE Select); 11 bases into the intron after coding-DNA position 2826, C replaced by T.
Molecular consequence: intron variant.
Genome position (GRCh38, 1-based): chrX:154,361,968, G>A on the plus strand (C>T on the coding strand, the complement: FLNA is on the minus strand). VCF-style: chrX-154361968-G-A. GRCh37 (hg19) VCF-style: chrX-153590336-G-A.
Other names: c.2826+11C>T (NM_001456.4).
Identifiers: ClinVar variation 1569626 (VCV001569626.11), dbSNP rs781834399, ClinGen allele CA10560836.